The following is an entry in ClinVar:

ClinVar aggregate classification (germline): Likely pathogenic (1 of 4 stars; one submission).

Submission:

Labcorp Genetics (formerly Invitae), Labcorp
Classification: Likely pathogenic. Last evaluated: 2023-09-05. Review status: criteria provided, single submitter. Criteria: Invitae Variant Classification Sherloc (09022015). Collection method: clinical testing. Allele origin: germline.
Comment: This sequence change affects a splice site in intron 7 of the TPP1 gene. It is expected to disrupt RNA splicing. Variants that disrupt the donor or acceptor splice site typically lead to a loss of protein function (PMID: 16199547), and loss-of-function variants in TPP1 are known to be pathogenic (PMID: 10330339). This variant is not present in population databases (gnomAD no frequency). This variant has not been reported in the literature in individuals affected with TPP1-related conditions. Algorithms developed to predict the effect of sequence changes on RNA splicing suggest that this variant may disrupt the consensus splice site. In summary, the currently available evidence indicates that the variant is pathogenic, but additional data are needed to prove that conclusively. Therefore, this variant has been classified as Likely Pathogenic.

Literature cited by the submitters: PubMed 16199547; PubMed 10330339.

NM_000391.4(TPP1):c.886+2del

Gene: TPP1 (tripeptidyl peptidase 1; minus strand). Cytogenetic location: 11p15.4.
Variant type: Deletion.
Coding change: c.886+2del on transcript NM_000391.4 (MANE Select); the canonical splice donor site of the intron after coding-DNA position 886, one base deleted (T; older notation c.886+2delT).
Molecular consequence: splice donor variant.
Genome position (GRCh38, 1-based): chr11:6,616,659, A deleted on the plus strand (T on the coding strand, the reverse complement: TPP1 is on the minus strand). VCF-style (leftmost placement, unchanged base first): chr11-6616658-TA-T. GRCh37 (hg19) VCF-style: chr11-6637889-TA-T.
Identifiers: ClinVar variation 2755505 (VCV002755505.3), dbSNP rs2493798748, ClinGen allele CA2697548402.